The following is an entry in ClinVar:

ClinVar aggregate classification (germline): Benign/Likely benign. Review status: criteria provided, multiple submitters, no conflicts (2 of 4 stars). 3 submissions from 3 submitters: Benign (1); Likely benign (1). 1 of the submissions does not count toward it. Last evaluated 2025-04-09.

Conditions:
NRAP-related disorder. Also called: NRAP-related condition.

Submissions (3):

Molecular Diagnostic Laboratory for Inherited Cardiovascular Disease, Montreal Heart Institute
Classification: Likely benign. Last evaluated: 2025-04-09. Review status: criteria provided, single submitter. Criteria: ACMG Guidelines, 2015. Collection method: clinical testing. Allele origin: germline. Affected: no.

Labcorp Genetics (formerly Invitae), Labcorp
Classification: Benign. Last evaluated: 2019-12-31. Review status: criteria provided, single submitter. Criteria: Invitae Variant Classification Sherloc (09022015). Collection method: clinical testing. Allele origin: germline.

PreventionGenetics, part of Exact Sciences
Classification: Benign for NRAP-related condition. Last evaluated: 2019-04-01. Review status: no assertion criteria provided. Collection method: clinical testing. Allele origin: germline. Not counted in ClinVar's aggregate classification.
Comment: This variant is classified as benign based on ACMG/AMP sequence variant interpretation guidelines (Richards et al. 2015 PMID: 25741868, with internal and published modifications).

NM_198060.4(NRAP):c.5170AAG[2] (p.Lys1726del)

Genes: HABP2 (hyaluronan binding protein 2; plus strand), NRAP (nebulin related anchoring protein; minus strand). Cytogenetic location: 10q25.3.
Variant type: Microsatellite.
Coding change: c.5170AAG[2] on transcript NM_198060.4 (MANE Select); two copies in a row of the 3-base unit AAG starting at c.5170; the reference has three copies in a row; one copy, 3 bases deleted; also written c.5176_5178del.
Protein change: p.Lys1726del; deletes lysine 1726.
Molecular consequence: inframe deletion. On other transcripts: 3 prime UTR variant (2).
Genome position (GRCh38, 1-based): chr10:113,588,990-113,588,992, CTT deleted on the plus strand (AAG on the coding strand, the reverse complement: NRAP is on the minus strand); deleting any 3 consecutive bases within chr10:113,588,990-113,588,998 gives the same sequence; the position shown is the placement nearest the transcript's 3' end. VCF-style (leftmost placement, unchanged base first): chr10-113588989-CCTT-C. GRCh37 (hg19) VCF-style: chr10-115348748-CCTT-C.
Other names: c.5179_5181del (NM_001261463.1); c.5176_5178del (NM_198060.3); c.*621CTT[2] (NM_001177660.3, NM_004132.5); c.5173AAG[2], p.Lys1727del (NM_001261463.2); c.5062AAG[2], p.Lys1690del (NM_001322945.2); c.5065AAG[2], p.Lys1691del (NM_006175.5); short protein forms K1690del, K1691del, K1727del, K1726del.
Identifiers: ClinVar variation 298931 (VCV000298931.12), dbSNP rs11575787, ClinGen allele CA5694135.